The following is an entry in ClinVar:

ClinVar aggregate classification (germline): Uncertain significance (1 of 4 stars; one submission).

Allele frequency attached by ClinVar (database versions not stated): gnomAD exomes below 0.00001; TOPMed 0.00001.
gnomAD v4.1: 2 of 1,212,381 alleles (0.00016%); highest among the groups gnomAD compares: African/African-American, 0.0034%; no homozygotes.

Submission:

GeneDx
Classification: Uncertain significance. Last evaluated: 2023-02-28. Review status: criteria provided, single submitter. Criteria: GeneDx Variant Classification Process June 2021. Collection method: clinical testing. Allele origin: germline. Affected: yes.
Comment: Not observed at significant frequency in large population cohorts (gnomAD); In silico analysis supports that this missense variant does not alter protein structure/function; Has not been previously published as pathogenic or benign to our knowledge

NM_001110556.2(FLNA):c.5086G>T (p.Val1696Leu)

Gene: FLNA (filamin A; minus strand). Cytogenetic location: Xq28.
Variant type: single nucleotide variant.
Coding change: c.5086G>T on transcript NM_001110556.2 (MANE Select); coding-DNA position 5086, G replaced by T.
Protein change: p.Val1696Leu; replaces valine 1696 with leucine.
Molecular consequence: missense variant.
Genome position (GRCh38, 1-based): chrX:154,354,956, C>A on the plus strand (G>T on the coding strand, the complement: FLNA is on the minus strand). VCF-style: chrX-154354956-C-A. GRCh37 (hg19) VCF-style: chrX-153583324-C-A.
Other names: c.5062G>T, p.Val1688Leu (NM_001456.4); short protein forms V1688L, V1696L.
Identifiers: ClinVar variation 2578128 (VCV002578128.1), dbSNP rs1181232052, ClinGen allele CA415207957.